The following is an entry in ClinVar:

ClinVar aggregate classification (germline): Uncertain significance. Review status: criteria provided, multiple submitters, no conflicts (2 of 4 stars). 2 submissions from 2 submitters: Uncertain significance (2). Last evaluated 2022-08-12.

Conditions:
Inborn genetic diseases. Identifiers: MedGen C0950123, MeSH D030342.

Allele frequency attached by ClinVar (database versions not stated): ESP Exome Variant Server 0.00008; gnomAD exomes 0.00008; ExAC 0.00009; 1000 Genomes Project 0.00040; 1000 Genomes Project 30x 0.00047.

Submissions (2):

Labcorp Genetics (formerly Invitae), Labcorp
Classification: Uncertain significance. Last evaluated: 2022-08-12. Review status: criteria provided, single submitter. Criteria: Invitae Variant Classification Sherloc (09022015). Collection method: clinical testing. Allele origin: germline.
Comment: This sequence change replaces arginine, which is basic and polar, with tryptophan, which is neutral and slightly polar, at codon 1010 of the DOCK6 protein (p.Arg1010Trp). This variant is present in population databases (rs370045662, gnomAD 0.03%). This variant has not been reported in the literature in individuals affected with DOCK6-related conditions. Algorithms developed to predict the effect of missense changes on protein structure and function are either unavailable or do not agree on the potential impact of this missense change (SIFT: "Deleterious"; PolyPhen-2: "Probably Damaging"; Align-GVGD: "Class C0"). In summary, the available evidence is currently insufficient to determine the role of this variant in disease. Therefore, it has been classified as a Variant of Uncertain Significance.

Ambry Genetics
Classification: Uncertain significance for Inborn genetic diseases. Last evaluated: 2021-04-28. Review status: criteria provided, single submitter. Criteria: Ambry Variant Classification Scheme 2023. Collection method: clinical testing. Allele origin: germline.

NM_020812.4(DOCK6):c.3028C>T (p.Arg1010Trp)

Gene: DOCK6 (dedicator of cytokinesis 6; minus strand). Cytogenetic location: 19p13.2.
Variant type: single nucleotide variant.
Coding change: c.3028C>T on transcript NM_020812.4 (MANE Select); coding-DNA position 3028, C replaced by T.
Protein change: p.Arg1010Trp; replaces arginine 1010 with tryptophan.
Molecular consequence: missense variant.
Genome position (GRCh38, 1-based): chr19:11,223,034, G>A on the plus strand (C>T on the coding strand, the complement: DOCK6 is on the minus strand). VCF-style: chr19-11223034-G-A. GRCh37 (hg19) VCF-style: chr19-11333710-G-A.
Other names: c.3133C>T, p.Arg1045Trp (NM_001367830.1); short protein forms R1010W, R1045W.
Identifiers: ClinVar variation 2058881 (VCV002058881.2), dbSNP rs370045662, ClinGen allele CA9207390.